The following is an entry in ClinVar:

ClinVar aggregate classification (germline): Uncertain significance. Review status: criteria provided, multiple submitters, no conflicts (2 of 4 stars). 2 submissions from 2 submitters: Uncertain significance (2). Last evaluated 2022-02-03.

Conditions:
Inborn genetic diseases. Identifiers: MedGen C0950123, MeSH D030342.
Charcot-Marie-Tooth disease recessive intermediate C. Also called: CHARCOT-MARIE-TOOTH NEUROPATHY, RECESSIVE INTERMEDIATE C. Identifiers: Orphanet 369867, MedGen C3809309, MONDO:0014154, OMIM 615376.
Neuronopathy, distal hereditary motor, autosomal recessive 4. Also called: Autosomal recessive lower motor neuron disease with childhood onset; NEUROPATHY, DISTAL HEREDITARY MOTOR, AUTOSOMAL RECESSIVE 4. Identifiers: Orphanet 206580, MedGen C1970211, MONDO:0012608, OMIM 611067.

Allele frequency attached by ClinVar (database versions not stated): gnomAD below 0.00001 and 0.00003; TOPMed 0.00001; gnomAD exomes 0.00002 and 0.00009; 1000 Genomes Project 30x 0.00016; 1000 Genomes Project 0.00020; ExAC 0.00026.
gnomAD v4.1: 38 of 1,564,570 alleles (0.0024%); highest among the groups gnomAD compares: South Asian, 0.04%; no homozygotes.

Submissions (2):

Labcorp Genetics (formerly Invitae), Labcorp
Classification: Uncertain significance for Neuronopathy, distal hereditary motor, autosomal recessive 4; Charcot-Marie-Tooth disease recessive intermediate C. Last evaluated: 2022-02-03. Review status: criteria provided, single submitter. Criteria: Invitae Variant Classification Sherloc (09022015). Collection method: clinical testing. Allele origin: germline.
Comment: This sequence change replaces proline, which is neutral and non-polar, with serine, which is neutral and polar, at codon 505 of the PLEKHG5 protein (p.Pro505Ser). The frequency data for this variant in the population databases is considered unreliable, as metrics indicate poor data quality at this position in the gnomAD database. This variant has not been reported in the literature in individuals affected with PLEKHG5-related conditions. ClinVar contains an entry for this variant (Variation ID: 536777). Algorithms developed to predict the effect of missense changes on protein structure and function (SIFT, PolyPhen-2, Align-GVGD) all suggest that this variant is likely to be tolerated. In summary, the available evidence is currently insufficient to determine the role of this variant in disease. Therefore, it has been classified as a Variant of Uncertain Significance.

Ambry Genetics
Classification: Uncertain significance for Inborn genetic diseases. Last evaluated: 2022-01-15. Review status: criteria provided, single submitter. Criteria: Ambry Variant Classification Scheme 2023. Collection method: clinical testing. Allele origin: germline.
Comment: The p.P505S variant (also known as c.1513C>T), located in coding exon 13 of the PLEKHG5 gene, results from a C to T substitution at nucleotide position 1513. The proline at codon 505 is replaced by serine, an amino acid with similar properties. This amino acid position is conserved. In addition, this alteration is predicted to be tolerated by in silico analysis. Since supporting evidence is limited at this time, the clinical significance of this alteration remains unclear.

NM_020631.6(PLEKHG5):c.1513C>T (p.Pro505Ser)

Gene: PLEKHG5 (pleckstrin homology and RhoGEF domain containing G5; minus strand). Cytogenetic location: 1p36.31.
Variant type: single nucleotide variant.
Coding change: c.1513C>T on transcript NM_020631.6 (MANE Select); coding-DNA position 1513, C replaced by T.
Protein change: p.Pro505Ser; replaces proline 505 with serine.
Molecular consequence: missense variant.
Genome position (GRCh38, 1-based): chr1:6,470,764, G>A on the plus strand (C>T on the coding strand, the complement: PLEKHG5 is on the minus strand). VCF-style: chr1-6470764-G-A. GRCh37 (hg19) VCF-style: chr1-6530824-G-A.
Other names: c.1624C>T, p.Pro542Ser (NM_001042663.3, NM_001265592.2); c.1513C>T, p.Pro505Ser (NM_001042664.2, NM_001042665.2, NM_001265594.3 and 1 more transcripts); c.1720C>T, p.Pro574Ser (NM_001265593.2); short protein forms P505S, P574S, P542S.
Identifiers: ClinVar variation 536777 (VCV000536777.8), dbSNP rs530846615, ClinGen allele CA561499.